The following is an entry in ClinVar:

ClinVar aggregate classification (germline): Uncertain significance. Review status: criteria provided, multiple submitters, no conflicts (2 of 4 stars). 2 submissions from 2 submitters: Uncertain significance (2). Last evaluated 2024-04-23.

Conditions:
Donnai-Barrow syndrome. Also called: DBS/FOAR SYNDROME; FACIOOCULOACOUSTICORENAL SYNDROME. Identifiers: Orphanet 2143, MedGen C1857277, MONDO:0009104, OMIM 222448.

Allele frequency attached by ClinVar (database versions not stated): ExAC 0.00001; gnomAD 0.00001; gnomAD exomes 0.00001; TOPMed 0.00001.
gnomAD v4.1: 16 of 1,613,560 alleles (0.00099%); highest among the groups gnomAD compares: Non-Finnish European, 0.0014%; no homozygotes.

Submissions (2):

Fulgent Genetics
Classification: Uncertain significance for Donnai-Barrow syndrome. Last evaluated: 2024-04-23. Review status: criteria provided, single submitter. Criteria: ACMG Guidelines, 2015. Collection method: clinical testing. Allele origin: germline.

Labcorp Genetics (formerly Invitae), Labcorp
Classification: Uncertain significance. Last evaluated: 2022-03-27. Review status: criteria provided, single submitter. Criteria: Invitae Variant Classification Sherloc (09022015). Collection method: clinical testing. Allele origin: germline.
Comment: This sequence change replaces lysine, which is basic and polar, with threonine, which is neutral and polar, at codon 1911 of the LRP2 protein (p.Lys1911Thr). This variant is present in population databases (rs746568999, gnomAD 0.002%). This variant has not been reported in the literature in individuals affected with LRP2-related conditions. Advanced modeling of protein sequence and biophysical properties (such as structural, functional, and spatial information, amino acid conservation, physicochemical variation, residue mobility, and thermodynamic stability) performed at Invitae indicates that this missense variant is not expected to disrupt LRP2 protein function. In summary, the available evidence is currently insufficient to determine the role of this variant in disease. Therefore, it has been classified as a Variant of Uncertain Significance.

NM_004525.3(LRP2):c.5732A>C (p.Lys1911Thr)

Gene: LRP2 (LDL receptor related protein 2; minus strand). Cytogenetic location: 2q31.1.
Variant type: single nucleotide variant.
Coding change: c.5732A>C on transcript NM_004525.3 (MANE Select); coding-DNA position 5732, A replaced by C.
Protein change: p.Lys1911Thr; replaces lysine 1911 with threonine.
Molecular consequence: missense variant.
Genome position (GRCh38, 1-based): chr2:169,216,347, T>G on the plus strand (A>C on the coding strand, the complement: LRP2 is on the minus strand). VCF-style: chr2-169216347-T-G. GRCh37 (hg19) VCF-style: chr2-170072857-T-G.
Other names: short protein forms K1911T.
Identifiers: ClinVar variation 2182718 (VCV002182718.2), dbSNP rs746568999, ClinGen allele CA1954454.